The following is an entry in ClinVar:

NM_001377935.1(RAPGEF1):c.601A>G (p.Met201Val)

Gene: RAPGEF1 (Rap guanine nucleotide exchange factor 1; minus strand). Cytogenetic location: 9q34.13.
Variant type: single nucleotide variant.
Coding change: c.601A>G on transcript NM_001377935.1 (MANE Select); coding-DNA position 601, A replaced by G.
Protein change: p.Met201Val; replaces methionine 201 with valine.
Molecular consequence: missense variant.
Genome position (GRCh38, 1-based): chr9:131,638,685, T>C on the plus strand (A>G on the coding strand, the complement: RAPGEF1 is on the minus strand). VCF-style: chr9-131638685-T-C. GRCh37 (hg19) VCF-style: chr9-134514072-T-C.
Other names: c.601A>G, p.Met201Val (NM_001304275.2); c.454A>G, p.Met152Val (NM_001377936.1); c.487A>G, p.Met163Val (NM_001377937.1, NM_001377938.1); c.550A>G, p.Met184Val (NM_005312.4); c.604A>G, p.Met202Val (NM_198679.2); short protein forms M152V, M163V, M184V, M201V, M202V.
Identifiers: ClinVar variation 2659636 (VCV002659636.24), dbSNP rs2540644475, ClinGen allele CA375316373.

ClinVar aggregate classification (germline): Uncertain significance (1 of 4 stars; one submission).

Submission:

CeGaT Center for Human Genetics Tuebingen
Classification: Uncertain significance. Last evaluated: 2023-01-01. Review status: criteria provided, single submitter. Criteria: CeGaT Center For Human Genetics Tuebingen Variant Classification Criteria Version 2. Collection method: clinical testing. Allele origin: germline. Affected: yes. Observed: 1 variant allele.
Comment: RAPGEF1: PM2, PP2, BP4